The following is an entry in ClinVar:

NM_000535.7(PMS2):c.2338C>A (p.Pro780Thr)

Gene: PMS2 (PMS1 homolog 2, mismatch repair system component; minus strand). Cytogenetic location: 7p22.1.
Variant type: single nucleotide variant.
Coding change: c.2338C>A on transcript NM_000535.7 (MANE Select); coding-DNA position 2338, C replaced by A.
Protein change: p.Pro780Thr; replaces proline 780 with threonine.
Molecular consequence: missense variant. On other transcripts: non-coding transcript variant (1).
Genome position (GRCh38, 1-based): chr7:5,977,695, G>T on the plus strand (C>A on the coding strand, the complement: PMS2 is on the minus strand). VCF-style: chr7-5977695-G-T. GRCh37 (hg19) VCF-style: chr7-6017326-G-T.
Other names: c.1933C>A, p.Pro645Thr (NM_001322003.2, NM_001322004.2, NM_001322005.2); c.2182C>A, p.Pro728Thr (NM_001322006.2); c.2020C>A, p.Pro674Thr (NM_001322007.2, NM_001322008.2); c.1966C>A, p.Pro656Thr (NM_001322009.2); c.1777C>A, p.Pro593Thr (NM_001322010.2); c.1405C>A, p.Pro469Thr (NM_001322011.2, NM_001322012.2); c.1765C>A, p.Pro589Thr (NM_001322013.2); c.2371C>A, p.Pro791Thr (NM_001322014.2); and 1 more; short protein forms P780T, P728T, P589T, P593T, P645T, P674T, P656T, P677T.
Identifiers: ClinVar variation 422851 (VCV000422851.18), dbSNP rs1064796041, ClinGen allele CA16618489.

ClinVar aggregate classification (germline): Uncertain significance. Review status: criteria provided, multiple submitters, no conflicts (2 of 4 stars). 5 submissions from 5 submitters: Uncertain significance (5). Last evaluated 2025-11-25.

Conditions:
Hereditary nonpolyposis colorectal neoplasms. Identifiers: MedGen C0009405, MeSH D003123.
Hereditary cancer-predisposing syndrome. Also called: Hereditary neoplastic syndrome; Neoplastic Syndromes, Hereditary; Tumor predisposition; Hereditary Cancer Syndrome. Identifiers: Orphanet 140162, MedGen C0027672, MeSH D009386, MONDO:0015356.

Allele frequency attached by ClinVar (database versions not stated): gnomAD 0.00001 and 0.00003; TOPMed 0.00001.

Submissions (5):

Labcorp Genetics (formerly Invitae), Labcorp
Classification: Uncertain significance for Hereditary nonpolyposis colorectal neoplasms. Last evaluated: 2025-11-25. Review status: criteria provided, single submitter. Criteria: Invitae Variant Classification Sherloc (09022015). Collection method: clinical testing. Allele origin: germline.
Comment: This sequence change replaces proline, which is neutral and non-polar, with threonine, which is neutral and polar, at codon 780 of the PMS2 protein (p.Pro780Thr). The frequency data for this variant in the population databases (gnomAD) is considered unreliable due to the presence of homologous sequence, such as pseudogenes or paralogs, in the genome. This variant has not been reported in the literature in individuals affected with PMS2-related conditions. ClinVar contains an entry for this variant (Variation ID: 422851). Invitae Evidence Modeling incorporating data from in vitro experimental studies (internal data) indicates that this missense variant is not expected to disrupt PMS2 function with a negative predictive value of 95%. In summary, the available evidence is currently insufficient to determine the role of this variant in disease. Therefore, it has been classified as a Variant of Uncertain Significance.

Women's Health and Genetics/Laboratory Corporation of America, LabCorp
Classification: Uncertain significance. Last evaluated: 2024-05-26. Review status: criteria provided, single submitter. Criteria: LabCorp Variant Classification Summary - May 2015. Collection method: clinical testing. Allele origin: germline.

GeneDx
Classification: Uncertain significance. Last evaluated: 2024-01-17. Review status: criteria provided, single submitter. Criteria: GeneDx Variant Classification Process June 2021. Collection method: clinical testing. Allele origin: germline. Affected: yes.
Comment: Not observed at significant frequency in large population cohorts (gnomAD); In silico analysis supports that this missense variant has a deleterious effect on protein structure/function; Has not been previously published as pathogenic or benign to our knowledge; This variant is associated with the following publications: (PMID: Fukui2011[Chapter])

Ambry Genetics
Classification: Uncertain significance for Hereditary cancer-predisposing syndrome. Last evaluated: 2023-09-28. Review status: criteria provided, single submitter. Criteria: Ambry Variant Classification Scheme 2023. Collection method: clinical testing. Allele origin: germline.
Comment: The p.P780T variant (also known as c.2338C>A), located in coding exon 14 of the PMS2 gene, results from a C to A substitution at nucleotide position 2338. The proline at codon 780 is replaced by threonine, an amino acid with highly similar properties. This amino acid position is well conserved in available vertebrate species. In addition, this alteration is predicted to be tolerated by in silico analysis. Since supporting evidence is limited at this time, the clinical significance of this alteration remains unclear.

Color Diagnostics, LLC DBA Color Health
Classification: Uncertain significance for Hereditary cancer-predisposing syndrome. Last evaluated: 2023-09-12. Review status: criteria provided, single submitter. Criteria: ACMG Guidelines, 2015. Collection method: clinical testing. Allele origin: germline.
Comment: This missense variant replaces proline with threonine at codon 780 of the PMS2 protein. Computational prediction suggests that this variant may not impact protein structure and function (internally defined REVEL score threshold <= 0.5, PMID: 27666373). To our knowledge, functional studies have not been reported for this variant. This variant has not been reported in individuals affected with PMS2-related disorders in the literature. This variant has been identified in 1/30860 chromosomes in the general population by the Genome Aggregation Database (gnomAD). The available evidence is insufficient to determine the role of this variant in disease conclusively. Therefore, this variant is classified as a Variant of Uncertain Significance.